The following is an entry in ClinVar:

ClinVar aggregate classification (germline): Pathogenic/Likely pathogenic. Review status: criteria provided, multiple submitters, no conflicts (2 of 4 stars). 3 submissions from 3 submitters: Pathogenic (2); Likely pathogenic (1). Last evaluated 2023-11-11.

Conditions:
Hyperammonemia, type III (NAGSD). Also called: Hyperammonemia due to N-acetylglutamate synthase deficiency. Identifiers: Orphanet 927, MedGen C0268543, MONDO:0009377, OMIM 237310.

Submissions (3):

Baylor Genetics
Classification: Likely pathogenic for Hyperammonemia, type III. Last evaluated: 2023-11-11. Review status: criteria provided, single submitter. Criteria: ACMG Guidelines, 2015. Collection method: clinical testing. Allele origin: unknown.

Labcorp Genetics (formerly Invitae), Labcorp
Classification: Pathogenic for Hyperammonemia, type III. Last evaluated: 2021-05-08. Review status: criteria provided, single submitter. Criteria: Invitae Variant Classification Sherloc (09022015). Collection method: clinical testing. Allele origin: germline.
Comment: Algorithms developed to predict the effect of sequence changes on RNA splicing suggest that this variant may create or strengthen a splice site, but this prediction has not been confirmed by published transcriptional studies. This sequence change creates a premature translational stop signal (p.Tyr441*) in the NAGS gene. It is expected to result in an absent or disrupted protein product. Loss-of-function variants in NAGS are known to be pathogenic (PMID: 12594532). This variant is not present in population databases (ExAC no frequency). This variant has not been reported in the literature in individuals with NAGS-related conditions. ClinVar contains an entry for this variant (Variation ID: 284268). For these reasons, this variant has been classified as Pathogenic.

Eurofins Ntd Llc (ga)
Classification: Pathogenic. Last evaluated: 2015-10-20. Review status: criteria provided, single submitter. Criteria: EGL Classification Definitions 2015. Collection method: clinical testing. Allele origin: germline. Observed: 1 variant allele, 1 homozygote.

Literature cited by the submitters: PubMed 12594532 (cited by Labcorp Genetics (formerly Invitae), Labcorp).

NM_153006.3(NAGS):c.1323C>G (p.Tyr441Ter)

Gene: NAGS (N-acetylglutamate synthase; plus strand). Cytogenetic location: 17q21.31.
Variant type: single nucleotide variant.
Coding change: c.1323C>G on transcript NM_153006.3 (MANE Select); coding-DNA position 1323, C replaced by G.
Protein change: p.Tyr441Ter; replaces tyrosine 441 with a stop codon.
Molecular consequence: nonsense.
Genome position (GRCh38, 1-based): chr17:44,007,645, C>G. VCF-style: chr17-44007645-C-G. GRCh37 (hg19) VCF-style: chr17-42085013-C-G.
Other names: short protein forms Y441*.
Identifiers: ClinVar variation 284268 (VCV000284268.11), dbSNP rs886042831, ClinGen allele CA10604739.
Genomic context (GRCh38, chr17:44,007,645, plus strand): 5'-CGCCAGGTACAACGCCGCCGCCATTCTGACCATGGAGCCCGTCCTGGGGGGCACCCCGTA[C>G]CTGGACAAATTTGTGGTGAGCTCCAGCCGCCAGGGCCAAGGCTCCGGCCAGATGCTGTGG-3'